The following is an entry in ClinVar:

ClinVar aggregate classification (germline): Likely benign. Review status: criteria provided, multiple submitters, no conflicts (2 of 4 stars). 4 submissions from 4 submitters: Likely benign (4). Last evaluated 2025-10-13.

Conditions:
FANCM-related disorder. Also called: FANCM-related condition.
Hereditary cancer-predisposing syndrome. Also called: Neoplastic Syndromes, Hereditary; Tumor predisposition; Hereditary Cancer Syndrome; Hereditary neoplastic syndrome. Identifiers: Orphanet 140162, MedGen C0027672, MeSH D009386, MONDO:0015356.
Inborn genetic diseases. Identifiers: MedGen C0950123, MeSH D030342.
Fanconi anemia (FA). Also called: Fanconi's anemia. Identifiers: Orphanet 84, MedGen C0015625, MeSH D005199, MONDO:0019391.

Allele frequency attached by ClinVar (database versions not stated): gnomAD 0.00013; 1000 Genomes Project 30x 0.00016; TOPMed 0.00016; 1000 Genomes Project 0.00020; gnomAD exomes 0.00006; ESP Exome Variant Server 0.00008; ExAC 0.00009.
gnomAD v4.1: 37 of 1,614,000 alleles (0.0023%); highest among the groups gnomAD compares: African/African-American, 0.036%; no homozygotes.

Submissions (4):

PreventionGenetics, part of Exact Sciences
Classification: Likely benign for FANCM-related condition. Last evaluated: 2025-10-13. Review status: criteria provided, single submitter. Criteria: ACMG Guidelines, 2015. Collection method: clinical testing. Allele origin: germline.
Comment: This variant is classified as likely benign based on ACMG/AMP sequence variant interpretation guidelines (Richards et al. 2015 PMID: 25741868, with internal and published modifications).

Ambry Genetics
Classification: Likely benign for Inborn genetic diseases. Last evaluated: 2024-11-24. Review status: criteria provided, single submitter. Criteria: Ambry Variant Classification Scheme 2023. Collection method: clinical testing. Allele origin: germline.

Labcorp Genetics (formerly Invitae), Labcorp
Classification: Likely benign for Fanconi anemia. Last evaluated: 2024-04-05. Review status: criteria provided, single submitter. Criteria: Invitae Variant Classification Sherloc (09022015). Collection method: clinical testing. Allele origin: germline.

Sema4
Classification: Likely benign for Hereditary cancer-predisposing syndrome. Last evaluated: 2022-02-13. Review status: criteria provided, single submitter. Criteria: Sema4 Curation Guidelines. Collection method: curation. Allele origin: germline.

NM_020937.4(FANCM):c.3432C>T (p.Phe1144=)

Gene: FANCM (FA complementation group M; plus strand). Cytogenetic location: 14q21.2.
Variant type: single nucleotide variant.
Coding change: c.3432C>T on transcript NM_020937.4 (MANE Select); coding-DNA position 3432, C replaced by T.
Protein change: p.Phe1144=; no amino-acid change (phenylalanine 1144 retained).
Molecular consequence: synonymous variant.
Genome position (GRCh38, 1-based): chr14:45,176,186, C>T. VCF-style: chr14-45176186-C-T. GRCh37 (hg19) VCF-style: chr14-45645389-C-T.
Other names: c.3354C>T, p.Phe1118= (NM_001308133.2); c.3432C>T (NM_020937.3).
Identifiers: ClinVar variation 701685 (VCV000701685.14), dbSNP rs374047969, ClinGen allele CA7169508.